The following is an entry in ClinVar:

ClinVar aggregate classification (germline): Pathogenic (1 of 4 stars; one submission).

Conditions:
Hyperkalemic periodic paralysis. Also called: Familial hyperkalemic periodic paralysis; Gamstorp disease. Identifiers: Orphanet 682, MedGen C0238357, MONDO:0008224, OMIM 170500, HP:0007215.

Submission:

Labcorp Genetics (formerly Invitae), Labcorp
Classification: Pathogenic for Hyperkalemic periodic paralysis. Last evaluated: 2023-05-16. Review status: criteria provided, single submitter. Criteria: Invitae Variant Classification Sherloc (09022015). Collection method: clinical testing. Allele origin: germline.
Comment: This sequence change creates a premature translational stop signal (p.Leu1452Valfs*5) in the SCN4A gene. While this is not anticipated to result in nonsense mediated decay, it is expected to disrupt the last 385 amino acid(s) of the SCN4A protein. This variant is not present in population databases (gnomAD no frequency). This variant has not been reported in the literature in individuals affected with SCN4A-related conditions. This variant disrupts a region of the SCN4A protein in which other variant(s) (p.Tyr1593*) have been determined to be pathogenic (PMID: 26700687). This suggests that this is a clinically significant region of the protein, and that variants that disrupt it are likely to be disease-causing. For these reasons, this variant has been classified as Pathogenic.

Literature cited by the submitters: PubMed 26700687.

NM_000334.4(SCN4A):c.4354_4369del (p.Leu1452fs)

Genes: GH-LCR (growth hormone locus control region; plus strand), SCN4A (sodium voltage-gated channel alpha subunit 4; minus strand). Cytogenetic location: 17q23.3.
Variant type: Deletion.
Coding change: c.4354_4369del on transcript NM_000334.4 (MANE Select); coding-DNA positions 4354 to 4369, 16 bases deleted (CTGGCGCGGATTGGGC).
Protein change: p.Leu1452fs; shifts the reading frame from leucine 1452.
Molecular consequence: frameshift variant.
Genome position (GRCh38, 1-based): chr17:63,941,913-63,941,928, GCCCAATCCGCGCCAG deleted on the plus strand (CTGGCGCGGATTGGGC on the coding strand, the reverse complement: SCN4A is on the minus strand); deleting any 16 consecutive bases within chr17:63,941,913-63,941,930 gives the same sequence; the c. name uses the placement nearest the transcript's 3' end. VCF-style (leftmost placement, unchanged base first): chr17-63941912-CGCCCAATCCGCGCCAG-C. GRCh37 (hg19) VCF-style: chr17-62019272-CGCCCAATCCGCGCCAG-C.
Other names: short protein forms L1452fs.
Identifiers: ClinVar variation 2862383 (VCV002862383.3), dbSNP rs2509285308, ClinGen allele CA2739268312.
Genomic context (GRCh38, chr17:63,941,912, plus strand): 5'-ATCATGAGGGCGAACAGCAGCGTCCGGATGCCCTTGGCCCCGCGGATCAGCCGCAGGACA[CGCCCAATCCGCGCCAG>C]GCGGATCACACGGAACAGCGTGGGTGACACGAAGTACTTCTGGATCAGGTCAGAGAGGGC-3'